The following is an entry in ClinVar:

ClinVar aggregate classification (germline): Uncertain significance (1 of 4 stars; one submission).

Conditions:
Malignant hyperthermia, susceptibility to, 1 (MHS1). Also called: Anesthesia related hyperthermia; Malignant hyperpyrexia; Fulminating hyperpyrexia; Pharmacogenic myopathy; RYR1-Related Malignant Hyperthermia Susceptibility; Malignant hyperthermia suceptibility 1. Identifiers: Orphanet 423, MedGen C2930980, MONDO:0007783, OMIM 145600.

Allele frequency attached by ClinVar (database versions not stated): gnomAD exomes below 0.00001.
gnomAD v4.1: 3 of 1,613,678 alleles (0.00019%); highest among the groups gnomAD compares: Non-Finnish European, 0.00025%; no homozygotes.

Submission:

All of Us Research Program, National Institutes of Health
Classification: Uncertain significance for Malignant hyperthermia, susceptibility to, 1. Last evaluated: 2023-07-10. Review status: criteria provided, single submitter. Criteria: ACMG Guidelines, 2015. Collection method: clinical testing. Allele origin: germline. Inheritance: Autosomal dominant inheritance. Observed: 1 variant allele, 1 heterozygote.
Comment: This missense variant replaces methionine with valine at codon 3998 of the RYR1 protein. Computational prediction suggests that this variant may not impact protein structure and function (internally defined REVEL score threshold <= 0.5, PMID: 27666373). To our knowledge, functional studies have not been reported for this variant. This variant has not been reported in individuals affected with RYR1-related disorders in the literature. This variant has been identified in 1/250886 chromosomes in the general population by the Genome Aggregation Database (gnomAD). The available evidence is insufficient to determine the role of this variant in disease conclusively. Therefore, this variant is classified as a Variant of Uncertain Significance.

This study involves interpretation of variants in research participants for the purpose of population health screening. Participant phenotype was not available at the time of variant classification. Additional details can be found in publication PMID: 35346344, PMCID: PMC8962531

NM_000540.3(RYR1):c.11992A>G (p.Met3998Val)

Gene: RYR1 (ryanodine receptor 1; plus strand). Cytogenetic location: 19q13.2.
Variant type: single nucleotide variant.
Coding change: c.11992A>G on transcript NM_000540.3 (MANE Select); coding-DNA position 11992, A replaced by G.
Protein change: p.Met3998Val; replaces methionine 3998 with valine.
Molecular consequence: missense variant.
Genome position (GRCh38, 1-based): chr19:38,543,855, A>G. VCF-style: chr19-38543855-A-G. GRCh37 (hg19) VCF-style: chr19-39034495-A-G.
Other names: c.11977A>G, p.Met3993Val (NM_001042723.2); short protein forms M3993V, M3998V.
Identifiers: ClinVar variation 3072375 (VCV003072375.1), dbSNP rs1392997255, ClinGen allele CA405662981.